The following is an entry in ClinVar:

NM_174936.4(PCSK9):c.1951G>T (p.Asp651Tyr)

Gene: PCSK9 (proprotein convertase subtilisin/kexin type 9; plus strand). Cytogenetic location: 1p32.3.
Variant type: single nucleotide variant.
Coding change: c.1951G>T on transcript NM_174936.4 (MANE Select); coding-DNA position 1951, G replaced by T.
Protein change: p.Asp651Tyr; replaces aspartic acid 651 with tyrosine.
Molecular consequence: missense variant.
Genome position (GRCh38, 1-based): chr1:55,063,456, G>T. VCF-style: chr1-55063456-G-T. GRCh37 (hg19) VCF-style: chr1-55529129-G-T.
Other names: c.2074G>T, p.Asp692Tyr (NM_001407240.1); c.1993G>T, p.Asp665Tyr (NM_001407241.1); c.1954G>T, p.Asp652Tyr (NM_001407242.1); c.1894G>T, p.Asp632Tyr (NM_001407243.1); c.1777G>T, p.Asp593Tyr (NM_001407244.1); c.1759G>T, p.Asp587Tyr (NM_001407245.1); c.1576G>T, p.Asp526Tyr (NM_001407246.1); c.1450G>T, p.Asp484Tyr (NM_001407247.1); short protein forms D651Y, D484Y, D593Y, D632Y, D652Y, D526Y, D587Y, D665Y.
Identifiers: ClinVar variation 405337 (VCV000405337.11), dbSNP rs770716587, ClinGen allele CA039858.

ClinVar aggregate classification (germline): Uncertain significance. Review status: criteria provided, multiple submitters, no conflicts (2 of 4 stars). 3 submissions from 3 submitters: Uncertain significance (3). Last evaluated 2024-03-14.

Conditions:
Familial hypercholesterolemia. Also called: Familial hypercholesterolemias; Familial hypercholesterolaemia. Identifiers: MedGen C0020445, MONDO:0005439.
Hypercholesterolemia, autosomal dominant, 3 (FHCL3). Also called: Familial Hypercholesterolemia, Autosomal Dominant, 3; Familial hypercholesterolemia 3; PCSK9-Related Familial Hypercholesterolemia, Autosomal Dominant. Identifiers: MedGen C1863551, MONDO:0011369, OMIM 603776.

Allele frequency attached by ClinVar (database versions not stated): ExAC 0.00001; gnomAD 0.00001; gnomAD exomes 0.00001; TOPMed 0.00002.
gnomAD v4.1: 8 of 1,614,024 alleles (0.0005%); highest among the groups gnomAD compares: African/African-American, 0.0093%; no homozygotes.

Submissions (3):

All of Us Research Program, National Institutes of Health
Classification: Uncertain significance for Hypercholesterolemia, autosomal dominant, 3. Last evaluated: 2024-03-14. Review status: criteria provided, single submitter. Criteria: ACMG Guidelines, 2015. Collection method: clinical testing. Allele origin: germline. Inheritance: Autosomal dominant inheritance. Observed: 3 variant alleles, 3 heterozygotes.
Comment: This missense variant replaces aspartic acid with tyrosine at codon 651 of the PCSK9 protein. Computational prediction is inconclusive regarding the impact of this variant on protein structure and function (internally defined REVEL score threshold 0.5 < inconclusive < 0.7, PMID: 27666373). To our knowledge, functional studies have not been reported for this variant. This variant has not been reported in individuals affected with PCSK9-related disorders in the literature. This variant has been identified in 3/282162 chromosomes in the general population by the Genome Aggregation Database (gnomAD). The available evidence is insufficient to determine the role of this variant in disease conclusively. Therefore, this variant is classified as a Variant of Uncertain Significance.

This study involves interpretation of variants in research participants for the purpose of population health screening. Participant phenotype was not available at the time of variant classification. Additional details can be found in publication PMID: 35346344, PMCID: PMC8962531

Color Diagnostics, LLC DBA Color Health
Classification: Uncertain significance for Familial hypercholesterolemia. Last evaluated: 2024-03-06. Review status: criteria provided, single submitter. Criteria: ACMG Guidelines, 2015. Collection method: clinical testing. Allele origin: germline.
Comment: This missense variant replaces aspartic acid with tyrosine at codon 651 of the PCSK9 protein. Computational prediction is inconclusive regarding the impact of this variant on protein structure and function (internally defined REVEL score threshold 0.5 < inconclusive < 0.7, PMID: 27666373). To our knowledge, functional studies have not been reported for this variant. This variant has not been reported in individuals affected with PCSK9-related disorders in the literature. This variant has been identified in 3/282162 chromosomes in the general population by the Genome Aggregation Database (gnomAD). The available evidence is insufficient to determine the role of this variant in disease conclusively. Therefore, this variant is classified as a Variant of Uncertain Significance.

Labcorp Genetics (formerly Invitae), Labcorp
Classification: Uncertain significance for Hypercholesterolemia, autosomal dominant, 3. Last evaluated: 2021-11-19. Review status: criteria provided, single submitter. Criteria: Invitae Variant Classification Sherloc (09022015). Collection method: clinical testing. Allele origin: germline.
Comment: This sequence change replaces aspartic acid, which is acidic and polar, with tyrosine, which is neutral and polar, at codon 651 of the PCSK9 protein (p.Asp651Tyr). In summary, the available evidence is currently insufficient to determine the role of this variant in disease. Therefore, it has been classified as a Variant of Uncertain Significance. Algorithms developed to predict the effect of missense changes on protein structure and function are either unavailable or do not agree on the potential impact of this missense change (SIFT: "Tolerated"; PolyPhen-2: "Possibly Damaging"; Align-GVGD: "Class C0"). ClinVar contains an entry for this variant (Variation ID: 405337). This variant has not been reported in the literature in individuals affected with PCSK9-related conditions. This variant is present in population databases (rs770716587, gnomAD 0.01%).